The following is an entry in ClinVar:

NM_021871.4(FGA):c.1119G>A (p.Trp373Ter)

Gene: FGA (fibrinogen alpha chain; minus strand). Cytogenetic location: 4q31.3.
Variant type: single nucleotide variant.
Coding change: c.1119G>A on transcript NM_021871.4 (MANE Select); coding-DNA position 1119, G replaced by A.
Protein change: p.Trp373Ter; replaces tryptophan 373 with a stop codon.
Molecular consequence: nonsense.
Genome position (GRCh38, 1-based): chr4:154,586,310, C>T on the plus strand (G>A on the coding strand, the complement: FGA is on the minus strand). VCF-style: chr4-154586310-C-T. GRCh37 (hg19) VCF-style: chr4-155507462-C-T.
Other names: c.1119G>A, p.Trp373Ter (NM_000508.5); short protein forms W373*.
Identifiers: ClinVar variation 1705040 (VCV001705040.4), dbSNP rs745804153, ClinGen allele CA3115140.

ClinVar aggregate classification (germline): Conflicting classifications of pathogenicity. Review status: criteria provided, conflicting classifications (1 of 4 stars). 4 submissions from 4 submitters: Likely pathogenic (3); Uncertain significance (1). Last evaluated 2026-04-22.

Conditions:
FGA-related disorder. Also called: FGA-related condition; FGA-related disorders.
Familial dysfibrinogenemia. Also called: Dysfibrinogenemia, congenital. Identifiers: Orphanet 335, Orphanet 98881, MedGen C0272350, MONDO:0014452, OMIM 616004.
Primary immunodeficiency or monogenic inflammatory bowel disease.

Allele frequency attached by ClinVar (database versions not stated): gnomAD exomes below 0.00001; TOPMed below 0.00001; ExAC 0.00001.
gnomAD v4.1: 8 of 1,614,188 alleles (0.0005%); highest among the groups gnomAD compares: South Asian, 0.0055%; no homozygotes.

Submissions (4):

GeneDx
Classification: Uncertain significance. Last evaluated: 2026-04-22. Review status: criteria provided, single submitter. Criteria: GeneDx Variant Classification Process June 2021. Collection method: clinical testing. Allele origin: germline.
Comment: Nonsense variant predicted to result in protein truncation, as the last 272 amino acid(s) are lost, and other loss-of-function variants have been reported downstream in HGMD; This variant is associated with the following publications: (PMID: 37647632, 25981141)

North West Genomic Laboratory Hub, Manchester University NHS Foundation Trust
Classification: Likely pathogenic for Primary immunodeficiency or monogenic inflammatory bowel disease. Last evaluated: 2025-10-01. Review status: criteria provided, single submitter. Criteria: ACGS Best Practice Guidelines for Variant Classification in Rare Disease 2024. Collection method: clinical testing. Allele origin: germline. Affected: yes.
Comment: PM2_Mod PVS1_Str

Women's Health and Genetics/Laboratory Corporation of America, LabCorp
Classification: Likely pathogenic for Familial dysfibrinogenemia. Last evaluated: 2022-08-04. Review status: criteria provided, single submitter. Criteria: LabCorp Variant Classification Summary - May 2015. Collection method: clinical testing. Allele origin: germline.
Comment: Variant summary: FGA c.1119G>A (p.Trp373X), located in the last exon of the gene, results in a premature termination codon, predicted to cause a truncation of the encoded protein or absence of the protein due to nonsense mediated decay, which are commonly known mechanisms for disease. Truncations downstream of this position have been cited as pathogenic and disease-associated in ClinVar and HGMD. The variant allele was found at a frequency of 8e-06 in 250968 control chromosomes (gnomAD). c.1119G>A has been reported in the literature in at least one homozygous individual affected with hypofibrogenemia (e.g. Castaman_2015). These data indicate that the variant is likely to be associated with disease. To our knowledge, no experimental evidence demonstrating an impact on protein function has been reported. No clinical diagnostic laboratories have submitted clinical-significance assessments for this variant to ClinVar after 2014. Based on the evidence outlined above, the variant was classified as likely pathogenic.

Blueprint Genetics
Classification: Likely pathogenic for FGA-related disorders. Last evaluated: 2022-04-27. Review status: criteria provided, single submitter. Criteria: ACMG Guidelines, 2015. Collection method: clinical testing. Allele origin: germline. Affected: yes. Observed: 2 variant alleles.

Literature cited by the submitters: PubMed 25981141 (cited by Women's Health and Genetics/Laboratory Corporation of America, LabCorp).